The following is an entry in ClinVar:

NM_033100.4(CDHR1):c.923C>G (p.Pro308Arg)

Gene: CDHR1 (cadherin related family member 1; plus strand). Cytogenetic location: 10q23.1.
Variant type: single nucleotide variant.
Coding change: c.923C>G on transcript NM_033100.4 (MANE Select); coding-DNA position 923, C replaced by G.
Protein change: p.Pro308Arg; replaces proline 308 with arginine.
Molecular consequence: missense variant.
Genome position (GRCh38, 1-based): chr10:84,205,887, C>G. VCF-style: chr10-84205887-C-G. GRCh37 (hg19) VCF-style: chr10-85965643-C-G.
Other names: c.923C>G, p.Pro308Arg (NM_001171971.3); short protein forms P308R.
Identifiers: ClinVar variation 2070578 (VCV002070578.4), dbSNP rs772469430, ClinGen allele CA377373869.
Genomic context (GRCh38, chr10:84,205,887, plus strand): 5'-GGAACGATGGAGCCTTTGAAATTAATGAGACATCTGGAGCCATCTCCATCACTCAGAGCC[C>G]GGCCCAGCTCCAGAGAGAGGTGTATGAGCTGCATGTACAGGTACCCTCCCTCTAGCTTTG-3'
Protein context (NP_149091.1, residues 298-318): TSGAISITQS[Pro308Arg]AQLQREVYEL

ClinVar aggregate classification (germline): Uncertain significance (1 of 4 stars; one submission).

Submission:

Labcorp Genetics (formerly Invitae), Labcorp
Classification: Uncertain significance. Last evaluated: 2024-02-17. Review status: criteria provided, single submitter. Criteria: Invitae Variant Classification Sherloc (09022015). Collection method: clinical testing. Allele origin: germline.
Comment: This sequence change replaces proline, which is neutral and non-polar, with arginine, which is basic and polar, at codon 308 of the CDHR1 protein (p.Pro308Arg). This variant is not present in population databases (gnomAD no frequency). This variant has not been reported in the literature in individuals affected with CDHR1-related conditions. ClinVar contains an entry for this variant (Variation ID: 2070578). Advanced modeling of protein sequence and biophysical properties (such as structural, functional, and spatial information, amino acid conservation, physicochemical variation, residue mobility, and thermodynamic stability) performed at Invitae indicates that this missense variant is not expected to disrupt CDHR1 protein function with a negative predictive value of 80%. In summary, the available evidence is currently insufficient to determine the role of this variant in disease. Therefore, it has been classified as a Variant of Uncertain Significance.